The following is an entry in ClinVar:

NM_006846.4(SPINK5):c.417C>T (p.Thr139=)

Gene: SPINK5 (serine peptidase inhibitor Kazal type 5; plus strand). Cytogenetic location: 5q32.
Variant type: single nucleotide variant.
Coding change: c.417C>T on transcript NM_006846.4 (MANE Select); coding-DNA position 417, C replaced by T.
Protein change: p.Thr139=; no amino-acid change (threonine 139 retained).
Molecular consequence: synonymous variant.
Genome position (GRCh38, 1-based): chr5:148,088,548, C>T. VCF-style: chr5-148088548-C-T. GRCh37 (hg19) VCF-style: chr5-147468111-C-T.
Other names: c.417C>T, p.Thr139= (NM_001127698.2, NM_001127699.2).
Identifiers: ClinVar variation 2655893 (VCV002655893.24), dbSNP rs760579391, ClinGen allele CA3495215.

ClinVar aggregate classification (germline): Likely benign (1 of 4 stars; one submission).

Allele frequency attached by ClinVar (database versions not stated): gnomAD exomes 0.00001; ExAC 0.00002; gnomAD 0.00002.
gnomAD v4.1: 15 of 1,611,316 alleles (0.00093%); highest among the groups gnomAD compares: East Asian, 0.0089%; no homozygotes.

Submission:

CeGaT Center for Human Genetics Tuebingen
Classification: Likely benign. Last evaluated: 2022-12-01. Review status: criteria provided, single submitter. Criteria: CeGaT Center For Human Genetics Tuebingen Variant Classification Criteria Version 2. Collection method: clinical testing. Allele origin: germline. Affected: yes. Observed: 1 variant allele.
Comment: SPINK5: BP4, BP7